The following is an entry in ClinVar:

ClinVar aggregate classification (germline): Benign/Likely benign. Review status: criteria provided, multiple submitters, no conflicts (2 of 4 stars). 4 submissions from 4 submitters: Benign (2); Likely benign (1). 1 of the submissions does not count toward it. Last evaluated 2026-01-22.

Conditions:
COL4A6-related disorder. Also called: COL4A6-related condition.

Submissions (4):

Labcorp Genetics (formerly Invitae), Labcorp
Classification: Benign. Last evaluated: 2026-01-22. Review status: criteria provided, single submitter. Criteria: Invitae Variant Classification Sherloc (09022015). Collection method: clinical testing. Allele origin: germline.

Blueprint Genetics
Classification: Likely benign. Last evaluated: 2023-07-17. Review status: criteria provided, single submitter. Criteria: ACMG Guidelines, 2015. Collection method: clinical testing. Allele origin: germline.

GeneDx
Classification: Benign. Last evaluated: 2020-10-23. Review status: criteria provided, single submitter. Criteria: GeneDx Variant Classification Process June 2021. Collection method: clinical testing. Allele origin: germline. Affected: yes.

PreventionGenetics, part of Exact Sciences
Classification: Likely benign for COL4A6-related condition. Last evaluated: 2024-05-29. Review status: no assertion criteria provided. Collection method: clinical testing. Allele origin: germline. Not counted in ClinVar's aggregate classification.
Comment: This variant is classified as likely benign based on ACMG/AMP sequence variant interpretation guidelines (Richards et al. 2015 PMID: 25741868, with internal and published modifications).

NM_033641.4(COL4A6):c.1322-16dup

Gene: COL4A6 (collagen type IV alpha 6 chain; minus strand). Cytogenetic location: Xq22.3.
Variant type: Duplication.
Coding change: c.1322-16dup on transcript NM_033641.4 (MANE Select); 16 bases into the intron before coding-DNA position 1322, one base duplicated (T; older notation c.1322-16dupT).
Molecular consequence: intron variant.
Genome position (GRCh38, 1-based): chrX:108,190,505, A duplicated on the plus strand (T on the coding strand, the reverse complement: COL4A6 is on the minus strand); the first of 8 consecutive A bases (chrX:108,190,505-108,190,512); duplicating any one gives the same sequence. VCF-style (leftmost placement, unchanged base first): chrX-108190504-T-TA. GRCh37 (hg19) VCF-style: chrX-107433734-T-TA.
Other names: c.1325-9dupT (NM_001847.3); c.1325-16dup (NM_001847.4); c.1322-16dup (NM_001287760.2, NM_001287759.2, NM_001287758.2).
Identifiers: ClinVar variation 1252614 (VCV001252614.9), dbSNP rs757225361, ClinGen allele CA10487860.
Genomic context (GRCh38, chrX:108,190,504, plus strand): 5'-ACCAGGGAACCCTGACTCTTTGTTGTGTAGAGTTTCAGTCTCAAATTCTGGACCTTTGGG[T>TA]AAAAAAAAGATAAAGGATTAGCAACTTGTATAAGCCTGATGACTTCCCTGACTCAACACA-3'